The following is an entry in ClinVar:

NM_147686.4(TRAF3IP2):c.875C>T (p.Pro292Leu)

Genes: TRAF3IP2 (TRAF3 interacting protein 2; minus strand), TRAF3IP2-AS1 (TRAF3IP2 antisense RNA 1; plus strand). Cytogenetic location: 6q21.
Variant type: single nucleotide variant.
Coding change: c.875C>T on transcript NM_147686.4 (MANE Select); coding-DNA position 875, C replaced by T.
Protein change: p.Pro292Leu; replaces proline 292 with leucine.
Molecular consequence: missense variant.
Genome position (GRCh38, 1-based): chr6:111,580,344, G>A on the plus strand (C>T on the coding strand, the complement: TRAF3IP2 is on the minus strand). VCF-style: chr6-111580344-G-A. GRCh37 (hg19) VCF-style: chr6-111901547-G-A.
Other names: c.875C>T, p.Pro292Leu (NM_001164281.3); c.902C>T, p.Pro301Leu (NM_147200.3); short protein forms P301L, P292L.
Identifiers: ClinVar variation 2604759 (VCV002604759.3), dbSNP rs762019279, ClinGen allele CA3963229.

ClinVar aggregate classification (germline): Uncertain significance. Review status: criteria provided, multiple submitters, no conflicts (2 of 4 stars). 2 submissions from 2 submitters: Uncertain significance (2). Last evaluated 2025-09-24.

Conditions:
Candidiasis, familial, 8 (CANDF8). Identifiers: Orphanet 1334, MedGen C3714992, MONDO:0014230, OMIM 615527.

Allele frequency attached by ClinVar (database versions not stated): ExAC 0.00001; gnomAD 0.00001; gnomAD exomes 0.00001; TOPMed 0.00002.
gnomAD v4.1: 12 of 1,591,564 alleles (0.00075%); highest among the groups gnomAD compares: Admixed American, 0.0019%; no homozygotes.

Submissions (2):

Labcorp Genetics (formerly Invitae), Labcorp
Classification: Uncertain significance for Candidiasis, familial, 8. Last evaluated: 2025-09-24. Review status: criteria provided, single submitter. Criteria: Invitae Variant Classification Sherloc (09022015). Collection method: clinical testing. Allele origin: germline.
Comment: This sequence change replaces proline, which is neutral and non-polar, with leucine, which is neutral and non-polar, at codon 292 of the TRAF3IP2 protein (p.Pro292Leu). This variant is present in population databases (rs762019279, gnomAD 0.004%). This variant has not been reported in the literature in individuals affected with TRAF3IP2-related conditions. ClinVar contains an entry for this variant (Variation ID: 2604759). Invitae Evidence Modeling of protein sequence and biophysical properties (such as structural, functional, and spatial information, amino acid conservation, physicochemical variation, residue mobility, and thermodynamic stability) indicates that this missense variant is not expected to disrupt TRAF3IP2 protein function with a negative predictive value of 80%. In summary, the available evidence is currently insufficient to determine the role of this variant in disease. Therefore, it has been classified as a Variant of Uncertain Significance.

Ambry Genetics
Classification: Uncertain significance. Last evaluated: 2023-06-21. Review status: criteria provided, single submitter. Criteria: Ambry Variant Classification Scheme 2023. Collection method: clinical testing. Allele origin: germline.